The following is an entry in ClinVar:

ClinVar aggregate classification (germline): Uncertain significance (1 of 4 stars; one submission).

Conditions:
Werner syndrome (WRN). Identifiers: Orphanet 902, MedGen C0043119, MONDO:0010196, OMIM 277700.

Submission:

Labcorp Genetics (formerly Invitae), Labcorp
Classification: Uncertain significance for Werner syndrome. Last evaluated: 2023-07-26. Review status: criteria provided, single submitter. Criteria: Invitae Variant Classification Sherloc (09022015). Collection method: clinical testing. Allele origin: germline.
Comment: In summary, the available evidence is currently insufficient to determine the role of this variant in disease. Therefore, it has been classified as a Variant of Uncertain Significance. Experimental studies and prediction algorithms are not available or were not evaluated, and the functional significance of this variant is currently unknown. ClinVar contains an entry for this variant (Variation ID: 1398769). This variant has not been reported in the literature in individuals affected with WRN-related conditions. The frequency data for this variant in the population databases is considered unreliable, as metrics indicate poor data quality at this position in the gnomAD database. This variant, c.2317_2319del, results in the deletion of 1 amino acid(s) of the WRN protein (p.Ser773del), but otherwise preserves the integrity of the reading frame.

NM_000553.6(WRN):c.2317_2319del (p.Ser773del)

Gene: WRN (WRN RecQ like helicase; plus strand). Cytogenetic location: 8p12.
Variant type: Deletion.
Coding change: c.2317_2319del on transcript NM_000553.6 (MANE Select); coding-DNA positions 2317 to 2319, 3 bases deleted (TCT; older notation c.2317_2319delTCT).
Protein change: p.Ser773del; deletes serine 773.
Molecular consequence: inframe deletion.
Genome position (GRCh38, 1-based): chr8:31,116,397-31,116,399, TCT deleted; deleting any 3 consecutive bases within chr8:31,116,395-31,116,399 gives the same sequence; the c. name uses the placement nearest the transcript's 3' end. VCF-style (leftmost placement, unchanged base first): chr8-31116394-CCTT-C. GRCh37 (hg19) VCF-style: chr8-30973910-CCTT-C.
Other names: short protein forms S773del.
Identifiers: ClinVar variation 1398769 (VCV001398769.6), dbSNP rs1162450384, ClinGen allele CA581428553.